The following is an entry in ClinVar:

ClinVar aggregate classification (germline): Conflicting classifications of pathogenicity. Review status: criteria provided, conflicting classifications (1 of 4 stars). 3 submissions from 3 submitters: Uncertain significance (1); Likely benign (2). Last evaluated 2025-09-08.

Conditions:
Pulmonary fibrosis and/or bone marrow failure syndrome, telomere-related, 7 (PFBMFT7). Identifiers: MedGen C5830485, MONDO:0957261, OMIM 620365.

gnomAD v4.1: 13 of 1,592,614 alleles (0.00082%); highest among the groups gnomAD compares: African/African-American, 0.015%; no homozygotes.

Submissions (3):

Labcorp Genetics (formerly Invitae), Labcorp
Classification: Likely benign. Last evaluated: 2025-09-08. Review status: criteria provided, single submitter. Criteria: Invitae Variant Classification Sherloc (09022015). Collection method: clinical testing. Allele origin: germline.

Mayo Clinic Laboratories, Mayo Clinic
Classification: Likely benign. Last evaluated: 2025-06-16. Review status: criteria provided, single submitter. Criteria: ACMG Guidelines, 2015. Collection method: clinical testing. Allele origin: germline. Observed: 1 variant allele.
Comment: BP4, BP7

St. Jude Molecular Pathology, St. Jude Children's Research Hospital
Classification: Uncertain significance for Pulmonary fibrosis and/or bone marrow failure syndrome, telomere-related, 7. Last evaluated: 2024-07-29. Review status: criteria provided, single submitter. Criteria: St. Jude Assertion Criteria 2020. Collection method: clinical testing. Allele origin: germline.
Comment: The NAF1 c.718-7A>G intronic change results from a A to G substitution located at intron 4 of the NAF1 gene. Algorithms that predict the impact of sequence changes on splicing indicate that this variant does not affect splicing, and to our knowledge functional studies have not been performed. This variant has a maximum subpopulation frequency of 0.017% in gnomAD v2.1.1. To our knowledge, this variant has not been reported in individuals with NAF1-associated dyskeratosis congenita . In summary, the evidence currently available is insufficient to determine the clinical significance of this variant. It has therefore been classified as of uncertain significance.

NM_138386.3(NAF1):c.718-7A>G

Gene: NAF1 (nuclear assembly factor 1 ribonucleoprotein; minus strand). Cytogenetic location: 4q32.2.
Variant type: single nucleotide variant.
Coding change: c.718-7A>G on transcript NM_138386.3 (MANE Select); 7 bases into the intron before coding-DNA position 718, A replaced by G.
Molecular consequence: intron variant.
Genome position (GRCh38, 1-based): chr4:163,140,390, T>C on the plus strand (A>G on the coding strand, the complement: NAF1 is on the minus strand). VCF-style: chr4-163140390-T-C. GRCh37 (hg19) VCF-style: chr4-164061542-T-C.
Other names: p.?; c.718-7A>G (NM_001128931.2).
Identifiers: ClinVar variation 3602679 (VCV003602679.3).